The following is an entry in ClinVar:

ClinVar aggregate classification (germline): Uncertain significance (1 of 4 stars; one submission).

Conditions:
Early Myoclonic Encephalopathy. Identifiers: MedGen C0270855.

Submission:

Labcorp Genetics (formerly Invitae), Labcorp
Classification: Uncertain significance for Early Myoclonic Encephalopathy. Last evaluated: 2020-06-09. Review status: criteria provided, single submitter. Criteria: Invitae Variant Classification Sherloc (09022015). Collection method: clinical testing. Allele origin: germline.
Comment: This variant is an in-frame deletion of the genomic region encompassing exon 2 of the JMJD1C gene. It preserves the integrity of the reading frame. In summary, the available evidence is currently insufficient to determine the role of this variant in disease. Therefore, it has been classified as a Variant of Uncertain Significance. Experimental studies and prediction algorithms are not available for this variant, and the functional significance of the deleted amino acids is currently unknown. This variant has not been reported in the literature in individuals with JMJD1C-related disease.

NC_000010.10:g.(?_65140068)_(65140252_?)del

Gene: JMJD1C (jumonji domain containing 1C; minus strand). Cytogenetic location: 10q21.3.
Variant type: Deletion.
Identifiers: ClinVar variation 1016166 (VCV001016166.7).